The following is an entry in ClinVar:

ClinVar aggregate classification (germline): Uncertain significance (1 of 4 stars; one submission).

Submission:

GeneDx
Classification: Uncertain significance. Last evaluated: 2019-10-07. Review status: criteria provided, single submitter. Criteria: GeneDx Variant Classification Process June 2021. Collection method: clinical testing. Allele origin: germline. Affected: yes.
Comment: Not observed in large population cohorts (Lek et al., 2016); Nonsense variant predicted to result in protein truncation, although loss-of-function variants have not been reported downstream of this position in the protein; Has not been previously published as pathogenic or benign to our knowledge

NM_002240.5(KCNJ6):c.974dup (p.Tyr325Ter)

Genes: KCNJ6 (potassium inwardly rectifying channel subfamily J member 6; minus strand), KCNJ6-AS1 (KCNJ6 antisense RNA 1; plus strand). Cytogenetic location: 21q22.13.
Variant type: Duplication.
Coding change: c.974dup on transcript NM_002240.5 (MANE Select); coding-DNA position 974, one base duplicated (A; older notation c.974dupA).
Protein change: p.Tyr325Ter; replaces tyrosine 325 with a stop codon.
Molecular consequence: nonsense.
Genome position (GRCh38, 1-based): chr21:37,625,457, T duplicated on the plus strand (A on the coding strand, the reverse complement: KCNJ6 is on the minus strand). VCF-style (leftmost placement, unchanged base first): chr21-37625456-G-GT. GRCh37 (hg19) VCF-style: chr21-38997758-G-GT.
Other names: short protein forms Y325*.
Identifiers: ClinVar variation 1309037 (VCV001309037.2), dbSNP rs2123361574, ClinGen allele CA2573054931.